The following is an entry in ClinVar:

ClinVar aggregate classification (germline): Uncertain significance (1 of 4 stars; one submission).

gnomAD v4.1: 1 of 1,614,008 alleles (0.000062%); highest among the groups gnomAD compares: Non-Finnish European, 0.000085%; no homozygotes.

Submission:

Labcorp Genetics (formerly Invitae), Labcorp
Classification: Uncertain significance. Last evaluated: 2025-03-27. Review status: criteria provided, single submitter. Criteria: Invitae Variant Classification Sherloc (09022015). Collection method: clinical testing. Allele origin: germline.
Comment: This sequence change replaces alanine, which is neutral and non-polar, with valine, which is neutral and non-polar, at codon 282 of the DCHS1 protein (p.Ala282Val). This variant is present in population databases (no rsID available, gnomAD 0.0009%). This variant has not been reported in the literature in individuals affected with DCHS1-related conditions. Invitae Evidence Modeling of protein sequence and biophysical properties (such as structural, functional, and spatial information, amino acid conservation, physicochemical variation, residue mobility, and thermodynamic stability) indicates that this missense variant is not expected to disrupt DCHS1 protein function with a negative predictive value of 95%. In summary, the available evidence is currently insufficient to determine the role of this variant in disease. Therefore, it has been classified as a Variant of Uncertain Significance.

NM_003737.4(DCHS1):c.845C>T (p.Ala282Val)

Gene: DCHS1 (dachsous cadherin-related 1; minus strand). Cytogenetic location: 11p15.4.
Variant type: single nucleotide variant.
Coding change: c.845C>T on transcript NM_003737.4 (MANE Select); coding-DNA position 845, C replaced by T.
Protein change: p.Ala282Val; replaces alanine 282 with valine.
Molecular consequence: missense variant.
Genome position (GRCh38, 1-based): chr11:6,640,769, G>A on the plus strand (C>T on the coding strand, the complement: DCHS1 is on the minus strand). VCF-style: chr11-6640769-G-A. GRCh37 (hg19) VCF-style: chr11-6662000-G-A.
Other names: short protein forms A282V.
Identifiers: ClinVar variation 4760997 (VCV004760997.1).